The following is an entry in ClinVar:

NM_000032.5(ALAS2):c.305-19A>G

Genes: ALAS2 (5'-aminolevulinate synthase 2; minus strand), LOC108663984 (ALAS2 intron 1 and 3 erythroid regulatory elements; plus strand). Cytogenetic location: Xp11.21.
Variant type: single nucleotide variant.
Coding change: c.305-19A>G on transcript NM_000032.5 (MANE Select); 19 bases into the intron before coding-DNA position 305, A replaced by G.
Molecular consequence: intron variant.
Genome position (GRCh38, 1-based): chrX:55,023,886, T>C on the plus strand (A>G on the coding strand, the complement: ALAS2 is on the minus strand). VCF-style: chrX-55023886-T-C. GRCh37 (hg19) VCF-style: chrX-55050319-T-C.
Other names: c.304+832A>G (NM_001037967.4); c.376+832A>G (NM_001037968.4).
Identifiers: ClinVar variation 4726253 (VCV004726253.1).
Genomic context (GRCh38, chrX:55,023,886, plus strand): 5'-ATGGCTTCCTTAGGCTGACTGAGACCAGGGAGCTAGGCAGATCTGAGACGGAATGTGAGA[T>C]TCATTGGCCGTGAAGAGAATGGGGGAAAAAGAAAGCATGTGTTGTCCTCTTTAAGCTCAA-3'

ClinVar aggregate classification (germline): Uncertain significance (1 of 4 stars; one submission).

gnomAD v4.1: 2 of 1,146,782 alleles (0.00017%); highest among the groups gnomAD compares: South Asian, 0.0018%; no homozygotes.

Submission:

Labcorp Genetics (formerly Invitae), Labcorp
Classification: Uncertain significance. Last evaluated: 2025-09-03. Review status: criteria provided, single submitter. Criteria: Invitae Variant Classification Sherloc (09022015). Collection method: clinical testing. Allele origin: germline.
Comment: This sequence change falls in intron 3 of the ALAS2 gene. It does not directly change the encoded amino acid sequence of the ALAS2 protein. This variant is not present in population databases (gnomAD no frequency). This variant has not been reported in the literature in individuals affected with ALAS2-related conditions. Algorithms developed to predict the effect of sequence changes on RNA splicing suggest that this variant may disrupt the consensus splice site. In summary, the available evidence is currently insufficient to determine the role of this variant in disease. Therefore, it has been classified as a Variant of Uncertain Significance.